The following is an entry in ClinVar:

NM_194248.3(OTOF):c.3866C>T (p.Thr1289Ile)

Gene: OTOF (otoferlin; minus strand). Cytogenetic location: 2p23.3.
Variant type: single nucleotide variant.
Coding change: c.3866C>T on transcript NM_194248.3 (MANE Select); coding-DNA position 3866, C replaced by T.
Protein change: p.Thr1289Ile; replaces threonine 1289 with isoleucine.
Molecular consequence: missense variant.
Genome position (GRCh38, 1-based): chr2:26,471,149, G>A on the plus strand (C>T on the coding strand, the complement: OTOF is on the minus strand). VCF-style: chr2-26471149-G-A. GRCh37 (hg19) VCF-style: chr2-26694017-G-A.
Other names: c.3866C>T, p.Thr1289Ile (NM_001287489.2); c.1565C>T, p.Thr522Ile (NM_004802.4, NM_194323.3); c.1796C>T, p.Thr599Ile (NM_194322.3); short protein forms T1289I, T522I, T599I.
Identifiers: ClinVar variation 179393 (VCV000179393.6), dbSNP rs727504839, ClinGen allele CA184336.
Genomic context (GRCh38, chr2:26,471,149, plus strand): 5'-CCCCAGAGCCCCTGCATGGCCCCCACACTCACCACATCCACCTTGACAACAGCTTCAGAA[G>A]TCTGCAGAGGAACCAAGGAGACAGGGGCAGAATCAGCCACTGGGGCCTGGAGTGGCAGGC-3'
Protein context (NP_919224.1, residues 1279-1299): KLETMVKLDA[Thr1289Ile]SEAVVKVDVA

ClinVar aggregate classification (germline): Uncertain significance. Review status: criteria provided, multiple submitters, no conflicts (2 of 4 stars). 2 submissions from 2 submitters: Uncertain significance (2). Last evaluated 2019-04-12.

Allele frequency attached by ClinVar (database versions not stated): gnomAD exomes below 0.00001; TOPMed below 0.00001.
gnomAD v4.1: 2 of 1,614,118 alleles (0.00012%); highest among the groups gnomAD compares: African/African-American, 0.0013%; no homozygotes.

Submissions (2):

Blueprint Genetics
Classification: Uncertain significance. Last evaluated: 2019-04-12. Review status: criteria provided, single submitter. Criteria: ACMG Guidelines, 2015. Collection method: clinical testing. Allele origin: germline.

Laboratory for Molecular Medicine, Mass General Brigham Personalized Medicine
Classification: Uncertain significance. Last evaluated: 2013-11-26. Review status: criteria provided, single submitter. Criteria: LMM Criteria. Collection method: clinical testing. Allele origin: germline. Observed: 1 variant allele.
Comment: The Thr1289Ile variant in OTOF has not been previously reported in individuals w ith hearing loss or in large population studies. Computational analyses (amino acid biochemical properties, conservation, AlignGVGD, PolyPhen-2, SIFT) do not p rovide strong evidence for or against an impact to the protein. Additional infor mation is needed to fully assess the clinical significance of this variant.